The following is an entry in ClinVar:

ClinVar aggregate classification (germline): Uncertain significance (1 of 4 stars; one submission).

Conditions:
Cardiovascular phenotype. Identifiers: MedGen CN230736.

gnomAD v4.1: 5 of 1,540,506 alleles (0.00032%); highest among the groups gnomAD compares: African/African-American, 0.0069%; no homozygotes.

Submission:

Ambry Genetics
Classification: Uncertain significance for Cardiovascular phenotype. Last evaluated: 2025-03-31. Review status: criteria provided, single submitter. Criteria: Ambry Variant Classification Scheme 2023. Collection method: clinical testing. Allele origin: germline.
Comment: The p.E17D variant (also known as c.51A>T), located in coding exon 1 of the EPHB4 gene, results from an A to T substitution at nucleotide position 51. The glutamic acid at codon 17 is replaced by aspartic acid, an amino acid with highly similar properties. This amino acid position is conserved. In addition, this alteration is predicted to be tolerated by in silico analysis. Based on the available evidence, the clinical significance of this variant remains unclear.

NM_004444.5(EPHB4):c.51A>T (p.Glu17Asp)

Genes: EPHB4 (EPH receptor B4; minus strand), SLC12A9 (solute carrier family 12 member 9; plus strand). Cytogenetic location: 7q22.1.
Variant type: single nucleotide variant.
Coding change: c.51A>T on transcript NM_004444.5 (MANE Select); coding-DNA position 51, A replaced by T.
Protein change: p.Glu17Asp; replaces glutamic acid 17 with aspartic acid.
Molecular consequence: missense variant. On other transcripts: 5 prime UTR variant (1).
Genome position (GRCh38, 1-based): chr7:100,826,980, T>A on the plus strand (A>T on the coding strand, the complement: EPHB4 is on the minus strand). VCF-style: chr7-100826980-T-A. GRCh37 (hg19) VCF-style: chr7-100424602-T-A.
Other names: c.-49T>A (NM_001363494.1); short protein forms E17D.
Identifiers: ClinVar variation 4018791 (VCV004018791.1).
Genomic context (GRCh38, chr7:100,826,980, plus strand): 5'-ATGTTGGGGGGGAGGTCCCAGGAGTGACGGGGTGCGCCCCCCCCCGCAAGGAAACTCACC[T>A]TCCAAAGCTGCGGCCAACGAAGCCCAGCAGAGCAGCACCCGGAGCTCCATGGCGCCGCCT-3'
Protein context (NP_004435.3, residues 7-27): LCWASLAAAL[Glu17Asp]ETLLNTKLET